The following is an entry in ClinVar:

ClinVar aggregate classification (germline): Likely benign. Review status: criteria provided, multiple submitters, no conflicts (2 of 4 stars). 2 submissions from 2 submitters: Likely benign (2). Last evaluated 2025-09-10.

gnomAD v4.1: 63 of 1,607,696 alleles (0.0039%); highest among the groups gnomAD compares: South Asian, 0.064%; no homozygotes.

Submissions (2):

Labcorp Genetics (formerly Invitae), Labcorp
Classification: Likely benign. Last evaluated: 2025-09-10. Review status: criteria provided, single submitter. Criteria: Invitae Variant Classification Sherloc (09022015). Collection method: clinical testing. Allele origin: germline.

Molecular Diagnostic Laboratory for Inherited Cardiovascular Disease, Montreal Heart Institute
Classification: Likely benign. Last evaluated: 2025-04-09. Review status: criteria provided, single submitter. Criteria: ACMG Guidelines, 2015. Collection method: clinical testing. Allele origin: germline. Affected: no.
Comment: BS1, BP4, BP5

NM_015978.3(TNNI3K):c.424A>G (p.Thr142Ala)

Genes: FPGT-TNNI3K (FPGT-TNNI3K readthrough; plus strand), TNNI3K (TNNI3 interacting kinase; plus strand). Cytogenetic location: 1p31.1.
Variant type: single nucleotide variant.
Coding change: c.424A>G on transcript NM_015978.3 (MANE Select); coding-DNA position 424, A replaced by G.
Protein change: p.Thr142Ala; replaces threonine 142 with alanine.
Molecular consequence: missense variant.
Genome position (GRCh38, 1-based): chr1:74,271,688, A>G. VCF-style: chr1-74271688-A-G. GRCh37 (hg19) VCF-style: chr1-74737372-A-G.
Other names: c.424A>G (NM_015978.2); c.727A>G, p.Thr243Ala (NM_001112808.3, NM_001199327.2); short protein forms T142A, T243A.
Identifiers: ClinVar variation 3672279 (VCV003672279.3), dbSNP rs749090310.